The following is an entry in ClinVar:

NM_006662.3(SRCAP):c.8761C>T (p.Pro2921Ser)

Gene: SRCAP (Snf2 related CREBBP activator protein; plus strand). Cytogenetic location: 16p11.2.
Variant type: single nucleotide variant.
Coding change: c.8761C>T on transcript NM_006662.3 (MANE Select); coding-DNA position 8761, C replaced by T.
Protein change: p.Pro2921Ser; replaces proline 2921 with serine.
Molecular consequence: missense variant.
Genome position (GRCh38, 1-based): chr16:30,738,801, C>T. VCF-style: chr16-30738801-C-T. GRCh37 (hg19) VCF-style: chr16-30750122-C-T.
Other names: short protein forms P2921S.
Identifiers: ClinVar variation 1959145 (VCV001959145.5), dbSNP rs763695274, ClinGen allele CA8012754.

ClinVar aggregate classification (germline): Uncertain significance (1 of 4 stars; one submission).

Allele frequency attached by ClinVar (database versions not stated): ExAC 0.00001.
gnomAD v4.1: 5 of 1,613,804 alleles (0.00031%); highest among the groups gnomAD compares: South Asian, 0.0011%; no homozygotes.

Submission:

Labcorp Genetics (formerly Invitae), Labcorp
Classification: Uncertain significance. Last evaluated: 2022-10-27. Review status: criteria provided, single submitter. Criteria: Invitae Variant Classification Sherloc (09022015). Collection method: clinical testing. Allele origin: germline.
Comment: In summary, the available evidence is currently insufficient to determine the role of this variant in disease. Therefore, it has been classified as a Variant of Uncertain Significance. Advanced modeling of protein sequence and biophysical properties (such as structural, functional, and spatial information, amino acid conservation, physicochemical variation, residue mobility, and thermodynamic stability) performed at Invitae indicates that this missense variant is not expected to disrupt SRCAP protein function. This variant has not been reported in the literature in individuals affected with SRCAP-related conditions. This variant is present in population databases (rs763695274, gnomAD 0.003%). This sequence change replaces proline, which is neutral and non-polar, with serine, which is neutral and polar, at codon 2921 of the SRCAP protein (p.Pro2921Ser).